The following is an entry in ClinVar:

NM_000238.4(KCNH2):c.2512del (p.Leu838fs)

Gene: KCNH2 (potassium voltage-gated channel subfamily H member 2; minus strand). Cytogenetic location: 7q36.1.
Variant type: Deletion.
Coding change: c.2512del on transcript NM_000238.4 (MANE Select); coding-DNA position 2512, one base deleted (C; older notation c.2512delC).
Protein change: p.Leu838fs; shifts the reading frame from leucine 838.
Molecular consequence: frameshift variant. On other transcripts: non-coding transcript variant (2).
Genome position (GRCh38, 1-based): chr7:150,948,936, G deleted on the plus strand (C on the coding strand, the reverse complement: KCNH2 is on the minus strand); the first of 2 consecutive G bases (chr7:150,948,936-150,948,937); deleting either gives the same sequence. VCF-style (leftmost placement, unchanged base first): chr7-150948935-AG-A. GRCh37 (hg19) VCF-style: chr7-150646023-AG-A.
Other names: c.2224del, p.Leu742fs (NM_001406753.1); c.1492del, p.Leu498fs (NM_172057.3); short protein forms L742fs, L498fs, L838fs.
Identifiers: ClinVar variation 4721201 (VCV004721201.1).
Genomic context (GRCh38, chr7:150,948,935, plus strand): 5'-ATCTCCAGGCTGGACCAGAAGTGGTCGGAGAACTCAGGGTACATGTCCAGCACCTCCAGC[AG>A]GTCGTCCCGATGGATCTTGTGTAGGTCACAGTAGGTGAGGGCCCGCACATCCCCGTTCGA-3'

ClinVar aggregate classification (germline): Pathogenic (1 of 4 stars; one submission).

Conditions:
Long QT syndrome (LQTS). Identifiers: MedGen C0023976, MeSH D008133, MONDO:0002442. Disease mechanism: loss of function. Inheritance: Various modes of inheritance.

Submission:

Labcorp Genetics (formerly Invitae), Labcorp
Classification: Pathogenic for Long QT syndrome. Last evaluated: 2025-06-11. Review status: criteria provided, single submitter. Criteria: Invitae Variant Classification Sherloc (09022015). Collection method: clinical testing. Allele origin: germline.
Comment: This sequence change creates a premature translational stop signal (p.Leu838Cysfs*30) in the KCNH2 gene. It is expected to result in an absent or disrupted protein product. Loss-of-function variants in KCNH2 are known to be pathogenic (PMID: 10973849, 19862833). This variant is not present in population databases (gnomAD no frequency). This variant has not been reported in the literature in individuals affected with KCNH2-related conditions. For these reasons, this variant has been classified as Pathogenic.

Literature cited by the submitters: PubMed 10973849; PubMed 19862833.